The following is an entry in ClinVar:

ClinVar aggregate classification (germline): Pathogenic/Likely pathogenic. Review status: criteria provided, multiple submitters, no conflicts (2 of 4 stars). 2 submissions from 2 submitters: Pathogenic (1); Likely pathogenic (1). Last evaluated 2024-09-26.

Conditions:
Neuromuscular disease caused by qualitative or quantitative defects of dysferlin. Also called: Qualitative or quantitative defects of dysferlin; Dysferlinopathy. Identifiers: Orphanet 207073, MedGen C2931687, MONDO:0016145.
Autosomal recessive limb-girdle muscular dystrophy type 2B (LGMDR2). Also called: MUSCULAR DYSTROPHY, LIMB-GIRDLE, TYPE 3; Limb-girdle muscular dystrophy, type 2B; MUSCULAR DYSTROPHY, LIMB-GIRDLE, AUTOSOMAL RECESSIVE 2; Limb-Girdle Muscular Dystrophy Type 2B (LGMD2B). Identifiers: Orphanet 268, MedGen C1850889, MONDO:0009676, OMIM 253601.

gnomAD v4.1: 1 of 1,614,150 alleles (0.000062%); highest among the groups gnomAD compares: Non-Finnish European, 0.000085%; no homozygotes.

Submissions (2):

Natera, Inc.
Classification: Likely pathogenic for Limb-girdle muscular dystrophy type 2B. Last evaluated: 2024-09-26. Review status: criteria provided, single submitter. Criteria: Natera Variant Classification Schema (03/2026). Collection method: clinical testing. Allele origin: germline.
Comment: The c.2570G>A variant in DYSF is a nonsense variant predicted to introduce a stop codon at amino acid 857. This variant is expected to result in nonsense mediated decay, truncation, or a dysfunctional protein product. This variant is rare in the general population with a frequency below the threshold expected for the associated phenotype(s). Given the available evidence, this variant is classified as Likely Pathogenic.

Labcorp Genetics (formerly Invitae), Labcorp
Classification: Pathogenic for Neuromuscular disease caused by qualitative or quantitative defects of dysferlin. Last evaluated: 2023-06-17. Review status: criteria provided, single submitter. Criteria: Invitae Variant Classification Sherloc (09022015). Collection method: clinical testing. Allele origin: germline.
Comment: This variant is not present in population databases (gnomAD no frequency). ClinVar contains an entry for this variant (Variation ID: 1072189). This variant has not been reported in the literature in individuals affected with DYSF-related conditions. This sequence change creates a premature translational stop signal (p.Trp857*) in the DYSF gene. It is expected to result in an absent or disrupted protein product. Loss-of-function variants in DYSF are known to be pathogenic (PMID: 17698709, 20301480). For these reasons, this variant has been classified as Pathogenic.

Literature cited by the submitters: PubMed 17698709 (cited by Labcorp Genetics (formerly Invitae), Labcorp); PubMed 20301480 (cited by Labcorp Genetics (formerly Invitae), Labcorp).

NM_001130987.2(DYSF):c.2624G>A (p.Trp875Ter)

Gene: DYSF (dysferlin; plus strand). Cytogenetic location: 2p13.2.
Variant type: single nucleotide variant.
Coding change: c.2624G>A on transcript NM_001130987.2 (MANE Select); coding-DNA position 2624, G replaced by A.
Protein change: p.Trp875Ter; replaces tryptophan 875 with a stop codon.
Molecular consequence: nonsense.
Genome position (GRCh38, 1-based): chr2:71,568,009, G>A. VCF-style: chr2-71568009-G-A. GRCh37 (hg19) VCF-style: chr2-71795139-G-A.
Other names: c.2570G>A (NM_003494.3); c.2573G>A, p.Trp858Ter (NM_001130455.2, NM_001130983.2); c.2528G>A, p.Trp843Ter (NM_001130976.2, NM_001130977.2); c.2570G>A, p.Trp857Ter (NM_001130978.2, NM_003494.4); c.2663G>A, p.Trp888Ter (NM_001130979.2); c.2621G>A, p.Trp874Ter (NM_001130980.2, NM_001130981.2); c.2666G>A, p.Trp889Ter (NM_001130982.2); c.2531G>A, p.Trp844Ter (NM_001130984.2, NM_001130986.2); and 1 more; short protein forms W843*, W844*, W857*, W858*, W874*, W875*, W888*, W889*.
Identifiers: ClinVar variation 1072189 (VCV001072189.8), dbSNP rs2152811000, ClinGen allele CA347213506.